The following is an entry in ClinVar:

NM_020166.5(MCCC1):c.1792C>A (p.Leu598Met)

Gene: MCCC1 (methylcrotonyl-CoA carboxylase subunit 1; minus strand). Cytogenetic location: 3q27.1.
Variant type: single nucleotide variant.
Coding change: c.1792C>A on transcript NM_020166.5 (MANE Select); coding-DNA position 1792, C replaced by A.
Protein change: p.Leu598Met; replaces leucine 598 with methionine.
Molecular consequence: missense variant. On other transcripts: non-coding transcript variant (2).
Genome position (GRCh38, 1-based): chr3:183,022,494, G>T on the plus strand (C>A on the coding strand, the complement: MCCC1 is on the minus strand). VCF-style: chr3-183022494-G-T. GRCh37 (hg19) VCF-style: chr3-182740282-G-T.
Other names: c.1441C>A, p.Leu481Met (NM_001293273.2); c.1465C>A, p.Leu489Met (NM_001363880.1); short protein forms L598M, L489M, L481M.
Identifiers: ClinVar variation 424237 (VCV000424237.25), dbSNP rs138480247, ClinGen allele CA2718647.
Genomic context (GRCh38, chr3:183,022,494, plus strand): 5'-TAGTGTTTTCCAGGATAATCAGCTTCGCTTTACTAGCAACTCCATTAACAGAACATTTCA[G>T]GTAAGTGCAGTCTCCCTCGCTGTAAAGATTACCAAGGACTTGGAAAGTTTTATCTTCAAT-3'
Protein context (NP_064551.3, residues 588-608): NLYSEGDCTY[Leu598Met]KCSVNGVASK

ClinVar aggregate classification (germline): Conflicting classifications of pathogenicity. Review status: criteria provided, conflicting classifications (1 of 4 stars). 7 submissions from 7 submitters: Uncertain significance (4); Likely benign (2). 1 of the submissions does not count toward it. Last evaluated 2026-01-12.

Conditions:
3-methylcrotonyl-CoA carboxylase 1 deficiency (MCC1D). Also called: MCC 1 deficiency; 3 Alpha methylcrotonylglycinuria 1; MCCD TYPE 1; METHYLCROTONYLGLYCINURIA TYPE I. Identifiers: Orphanet 6, MedGen CN028786, MONDO:0008861, OMIM 210200.
Inborn genetic diseases. Identifiers: MedGen C0950123, MeSH D030342.

Allele frequency attached by ClinVar (database versions not stated): gnomAD exomes 0.00017 and 0.00037; ExAC 0.00041; ESP Exome Variant Server 0.00046; gnomAD 0.00075 and 0.00079; TOPMed 0.00079; 1000 Genomes Project 0.00220.
gnomAD v4.1: 378 of 1,613,934 alleles (0.023%); highest among the groups gnomAD compares: African/African-American, 0.24%; 1 homozygote.

Submissions (7):

Labcorp Genetics (formerly Invitae), Labcorp
Classification: Likely benign for 3-methylcrotonyl-CoA carboxylase 1 deficiency. Last evaluated: 2026-01-12. Review status: criteria provided, single submitter. Criteria: Invitae Variant Classification Sherloc (09022015). Collection method: clinical testing. Allele origin: germline.

GeneDx
Classification: Uncertain significance. Last evaluated: 2024-03-04. Review status: criteria provided, single submitter. Criteria: GeneDx Variant Classification Process June 2021. Collection method: clinical testing. Allele origin: germline. Affected: yes.
Comment: In silico analysis supports that this missense variant does not alter protein structure/function; Has not been previously published as pathogenic or benign to our knowledge

Ambry Genetics
Classification: Likely benign for Inborn genetic diseases. Last evaluated: 2022-01-27. Review status: criteria provided, single submitter. Criteria: Ambry Variant Classification Scheme 2023. Collection method: clinical testing. Allele origin: germline.

Revvity Omics, Revvity
Classification: Uncertain significance for 3-methylcrotonyl-CoA carboxylase 1 deficiency. Last evaluated: 2021-02-18. Review status: criteria provided, single submitter. Criteria: ACMG Guidelines, 2015. Collection method: clinical testing. Allele origin: germline.

Fulgent Genetics
Classification: Uncertain significance for 3-methylcrotonyl-CoA carboxylase 1 deficiency. Last evaluated: 2018-10-31. Review status: criteria provided, single submitter. Criteria: ACMG Guidelines, 2015. Collection method: clinical testing. Allele origin: unknown.

Illumina Laboratory Services, Illumina
Classification: Uncertain significance for 3-methylcrotonyl-CoA carboxylase 1 deficiency. Last evaluated: 2018-01-12. Review status: criteria provided, single submitter. Criteria: ICSL Variant Classification Criteria 13 December 2019. Collection method: clinical testing. Allele origin: germline.

Natera, Inc.
Classification: Uncertain significance for 3-methylcrotonyl-CoA carboxylase 1 deficiency. Last evaluated: 2019-11-11. Review status: no assertion criteria provided. Collection method: clinical testing. Allele origin: germline. Not counted in ClinVar's aggregate classification.